The following continues an entry in ClinVar:

NM_000070.3(CAPN3):c.550del (p.Thr184fs)

Gene: CAPN3. ClinVar aggregate classification (germline): Pathogenic. Pathogenic (1).

Submissions 37 to 51 of 51:

Illumina Laboratory Services, Illumina
Classification: Pathogenic for Limb-girdle muscular dystrophy, type 2A. Last evaluated: 2017-04-27. Review status: criteria provided, single submitter. Criteria: ICSL Variant Classification Criteria 09 May 2019. Collection method: clinical testing. Allele origin: germline. Not counted in ClinVar's aggregate classification.
Comment: The CAPN3 c.550delA (p.Thr184ArgfsTer36) variant is a frameshift variant that is predicted to result in premature truncation of the protein. The p.Thr184ArgfsTer36 variant is well reported in the literature. Across a selection of ten studies, this variant is found in over 130 patients with CAPN3-related disorders, including in 54 individuals in a homozygous state, in 44 individuals in a compound heterozygous state, and ten individuals in a heterozygous state (Richard et al. 1999; Pogoda et al. 2000; Canki-Klain et al. 2004; Piluso et al. 2005; Fanin et al. 2005; Milic et al. 2005; Krahn et al. 2006; Todorova et al. 2007; ChrobÃ¡kovÃ¡ et al. 2004; Inashkina et al. 2016). The p.Thr184ArgfsTer36 variant was present in a heterozygous state in nine of 1691 healthy controls and is reported at a frequency of 0.005629 in the African American population of the Exome Sequencing Project. ChrobÃ¡kovÃ¡ et al. (2004) demonstrated an absence of the CAPN3 protein on Western blots for patients who were compound heterozygous for this variant. Based on the collective evidence and the potential impact of frameshift variants, the p.Thr184ArgfsTer36 variant is classified as pathogenic for calpainopathy. This variant was observed by ICSL as part of a predisposition screen in an ostensibly healthy population.

Eurofins Ntd Llc (ga)
Classification: Pathogenic. Last evaluated: 2017-04-03. Review status: criteria provided, single submitter. Criteria: EGL Classification Definitions. Collection method: clinical testing. Allele origin: germline. Observed: 68 variant alleles, 54 heterozygotes, 13 homozygotes. Not counted in ClinVar's aggregate classification.

Centre for Mendelian Genomics, University Medical Centre Ljubljana
Classification: Pathogenic for Muscular dystrophy. Last evaluated: 2017-01-01. Review status: criteria provided, single submitter. Criteria: ACMG Guidelines, 2015. Collection method: clinical testing. Allele origin: unknown. Affected: yes. Not counted in ClinVar's aggregate classification.

Centre for Mendelian Genomics, University Medical Centre Ljubljana
Classification: Pathogenic for Limb-girdle muscle weakness; Muscular dystrophy; Shoulder girdle muscle weakness. Last evaluated: 2017-01-01. Review status: criteria provided, single submitter. Criteria: ACMG Guidelines, 2015. Collection method: clinical testing. Allele origin: unknown. Affected: yes. Not counted in ClinVar's aggregate classification.

Centre for Mendelian Genomics, University Medical Centre Ljubljana
Classification: Pathogenic for Absent Achilles reflex; Muscle weakness; Myopathy. Last evaluated: 2017-01-01. Review status: criteria provided, single submitter. Criteria: ACMG Guidelines, 2015. Collection method: clinical testing. Allele origin: unknown. Affected: yes. Not counted in ClinVar's aggregate classification.

Centre for Mendelian Genomics, University Medical Centre Ljubljana
Classification: Pathogenic for Absent muscle fiber calpain-3; Gait disturbance; EMG: neuropathic changes; Elevated circulating creatine kinase activity; Migraine; Paresthesia; Positive Romberg sign; Progressive spinal muscular atrophy. Last evaluated: 2017-01-01. Review status: criteria provided, single submitter. Criteria: ACMG Guidelines, 2015. Collection method: clinical testing. Allele origin: unknown. Affected: yes. Not counted in ClinVar's aggregate classification.

Illumina Laboratory Services, Illumina
Classification: Pathogenic for Limb-Girdle Muscular Dystrophy, Recessive. Last evaluated: 2016-06-14. Review status: criteria provided, single submitter. Criteria: ICSL Variant Classification 20161018. Collection method: clinical testing. Allele origin: germline. Not counted in ClinVar's aggregate classification.
Comment: The c.550delA (p.Thr184ArgfsTer36) is a frameshift variant and is predicted to result in premature truncation of the protein. The p.Thr184ArgfsTer36 variant is well reported in the literature. Across a selection of ten studies, the p.Thr184ArgfsTer36 variant is found in over 130 patients with limb-girdle muscular dystrophy 2 including in 54 individuals in a homozygous state, 44 in a compound heterozygous state and ten in a heterozygous state (Richard et al. 1999; Pogoda et al. 2000; Canki-Klain et al. 2004; Piluso et al. 2005; Fanin et al. 2005; Milic et al. 2005; Krahn et al. 2006; Todorova et al. 2007; ChrobÃ¡kovÃ¡ et al. 2004; Inashkina et al. 2016). The p.Thr184ArgfsTer36 variant was present in a heterozygous state in nine of 1691 healthy controls and is reported at a frequency of 0.005629 in the African American population of the Exome Sequencing Project. ChrobÃ¡kovÃ¡ et al. (2004) demonstrated an absence of the CAPN3 protein on Western blots for patients who were compound heterozygous for this variant. Based on the collective evidence and the potential impact of frameshift variants, the p.Thr184ArgfsTer36 variant is classified as pathogenic for CAPN3-related disorders.

Centre for Mendelian Genomics, University Medical Centre Ljubljana
Classification: Pathogenic for Muscular dystrophy, limb-girdle, autosomal dominant 4. Last evaluated: 2016-01-01. Review status: criteria provided, single submitter. Criteria: ACMG Guidelines, 2015. Collection method: clinical testing. Allele origin: unknown. Affected: yes. Not counted in ClinVar's aggregate classification.
Comment: This variant was classified as: Pathogenic.

Centre for Mendelian Genomics, University Medical Centre Ljubljana
Classification: Pathogenic for Muscular dystrophy. Last evaluated: 2015-05-11. Review status: criteria provided, single submitter. Criteria: ACMG Guidelines, 2015. Collection method: clinical testing. Allele origin: unknown. Affected: yes. Not counted in ClinVar's aggregate classification.

Centre for Mendelian Genomics, University Medical Centre Ljubljana
Classification: Pathogenic for EMG: myopathic abnormalities; Shoulder girdle muscle weakness. Last evaluated: 2014-11-14. Review status: criteria provided, single submitter. Criteria: ACMG Guidelines, 2015. Collection method: clinical testing. Allele origin: unknown. Affected: yes. Not counted in ClinVar's aggregate classification.

Centre for Mendelian Genomics, University Medical Centre Ljubljana
Classification: Pathogenic for Cardiac arrhythmia; Lower-limb joint contracture; Elbow flexion contracture; Muscle weakness; Muscular dystrophy. Last evaluated: 2014-09-24. Review status: criteria provided, single submitter. Criteria: ACMG Guidelines, 2015. Collection method: clinical testing. Allele origin: unknown. Affected: yes. Not counted in ClinVar's aggregate classification.

Juno Genomics, Hangzhou Juno Genomics, Inc
Classification: Pathogenic for Autosomal recessive limb-girdle muscular dystrophy type 2A. Review status: criteria provided, single submitter. Criteria: ACMG Guidelines, 2015. Collection method: clinical testing. Allele origin: germline. Affected: yes. Not counted in ClinVar's aggregate classification.
Comment: Absent from controls (or at extremely low frequency if recessive) in Genome Aggregation Database, Exome Sequencing Project, 1000 Genomes Project, or Exome Aggregation Consortium.;Null variant in a gene where loss of function (LOF) is a known mechanism of disease.;For recessive disorders, detected in trans with a pathogenic variant.

Centre for Mendelian Genomics, University Medical Centre Ljubljana
Classification: Pathogenic for Calf muscle hypertrophy; Shoulder girdle muscle weakness. Last evaluated: 2016-03-29. Review status: no assertion criteria provided. Collection method: clinical testing. Allele origin: unknown. Affected: yes. Not counted in ClinVar's aggregate classification.

OMIM
Classification: Pathogenic for MUSCULAR DYSTROPHY, LIMB-GIRDLE, AUTOSOMAL RECESSIVE 1. Last evaluated: 2007-08-01. Review status: no assertion criteria provided. Collection method: literature only. Allele origin: germline. Not counted in ClinVar's aggregate classification.

GeneReviews
No classification provided. Condition: Autosomal recessive limb-girdle muscular dystrophy type 2A. Review status: no classification provided. Collection method: literature only. Allele origin: germline. Not counted in ClinVar's aggregate classification.
Comment: Many pathogenic variants have been observed repeatedly in different populations; the c.550delA pathogenic variant is the most common allele (accounting for up to 75% of abnormal alleles) among individuals from different European countries [Richard et al 1999]. Pathogenic variant most likely the result of a founder effect followed by genetic isolation in populations in Russia, Croatia, Turkey, Czech Republic, Bulgaria, Germany, Italy, Poland, [Dincer et al 1997, Pogoda et al 2000, Canki-Klain et al 2004, Chrobakova et al 2004, Fanin et al 2005, Milic & Canki-Klain 2005, Balci et al 2006, Hanisch et al 2007, Todorova et al 2007, Stehlikova et al 2014, Dorobek et al 2015]. This pathogenic variant may have originated in the eastern Mediterranean region [Hermanova et al 2006].

Literature cited by the submitters: PubMed 25135358 (cited by 3 submitters); PubMed 7720071 (cited by 7 submitters); PubMed 14578192 (cited by 5 submitters); PubMed 20635405 (cited by 4 submitters); PubMed 21204801 (cited by 4 submitters); PubMed 21984748 (cited by 4 submitters); PubMed 27142102 (cited by 3 submitters); PubMed 10330340 (cited by 4 submitters); PubMed 15689361 (cited by 3 submitters); PubMed 26484845 (cited by Athena Diagnostics and GeneReviews); PubMed 10679950 (cited by 5 submitters); PubMed 14981715 (cited by 6 submitters); PubMed 17318636 (cited by 6 submitters); PubMed 16100770 (cited by 4 submitters); PubMed 9266733 (cited by 3 submitters); PubMed 17702496 (cited by Athena Diagnostics and GeneReviews); PubMed 15725583 (cited by 5 submitters); PubMed 16650086 (cited by Athena Diagnostics and Illumina Laboratory Services, Illumina); PubMed 16141003 (cited by Athena Diagnostics and Illumina Laboratory Services, Illumina); PubMed 15351423 (cited by 3 submitters); PubMed 30028523 (cited by Athena Diagnostics); PubMed 28914264 (cited by Athena Diagnostics); PubMed 31788660 (cited by Athena Diagnostics); PubMed 31517061 (cited by Athena Diagnostics); PubMed 31263448 (cited by Athena Diagnostics); PubMed 30919934 (cited by Athena Diagnostics); PubMed 27259757 (cited by Victorian Clinical Genetics Services, Murdoch Childrens Research Institute); PubMed 28881388 (cited by Victorian Clinical Genetics Services, Murdoch Childrens Research Institute); PubMed 31066050 (cited by Victorian Clinical Genetics Services, Murdoch Childrens Research Institute); PubMed 17157502 (cited by Mayo Clinic Laboratories, Mayo Clinic); PubMed 20301490 (cited by Molecular Genetics, Royal Melbourne Hospital); PubMed 15221789 (cited by Dasa); PubMed 26404900 (cited by Dasa); PubMed 16411092 (cited by GeneReviews); PubMed 16372320 (cited by GeneReviews).